The following is an entry in ClinVar:

ClinVar aggregate classification (germline): Benign/Likely benign. Review status: criteria provided, multiple submitters, no conflicts (2 of 4 stars). 5 submissions from 5 submitters: Benign (3); Likely benign (2). Last evaluated 2025-12-31.

Conditions:
Obesity due to leptin receptor gene deficiency. Identifiers: Orphanet 179494, MedGen C3554225, MONDO:0013992, OMIM 614963.

Allele frequency attached by ClinVar (database versions not stated): gnomAD exomes 0.00151 and 0.00404; ExAC 0.00498; 1000 Genomes Project 0.01498; gnomAD 0.01523 and 0.01632; 1000 Genomes Project 30x 0.01562; TOPMed 0.01649; ESP Exome Variant Server 0.01915.
gnomAD v4.1: 4,634 of 1,614,090 alleles (0.29%); highest among the groups gnomAD compares: African/African-American, 5.5%; 127 homozygotes.

Submissions (5):

Labcorp Genetics (formerly Invitae), Labcorp
Classification: Benign. Last evaluated: 2025-12-31. Review status: criteria provided, single submitter. Criteria: Invitae Variant Classification Sherloc (09022015). Collection method: clinical testing. Allele origin: germline.

Athena Diagnostics
Classification: Benign. Last evaluated: 2024-09-16. Review status: criteria provided, single submitter. Criteria: Athena Diagnostics Criteria. Collection method: clinical testing. Allele origin: unknown.

GeneDx
Classification: Benign. Last evaluated: 2019-04-09. Review status: criteria provided, single submitter. Criteria: GeneDx Variant Classification Process June 2021. Collection method: clinical testing. Allele origin: germline. Affected: yes.

Illumina Laboratory Services, Illumina
Classification: Likely benign for Obesity due to leptin receptor gene deficiency. Last evaluated: 2017-12-07. Review status: criteria provided, single submitter. Criteria: ICSL Variant Classification Criteria 13 December 2019. Collection method: clinical testing. Allele origin: germline.
Comment: This variant was observed as part of a predisposition screen in an ostensibly healthy population. A literature search was performed for the gene, cDNA change, and amino acid change (where applicable). No publications were found based on this search. Allele frequency data from public databases allowed determination this variant is unlikely to cause disease. Therefore, this variant is classified as likely benign.

Breakthrough Genomics
Classification: Likely benign. Review status: criteria provided, single submitter. Criteria: ACMG Guidelines, 2015. Collection method: not provided. Allele origin: germline. Inheritance: Autosomal recessive inheritance. Affected: yes.

Literature cited by the submitters: PubMed 9287054 (cited by Athena Diagnostics).

NM_002303.6(LEPR):c.3024A>G (p.Ser1008=)

Gene: LEPR (leptin receptor; plus strand). Cytogenetic location: 1p31.3.
Variant type: single nucleotide variant.
Coding change: c.3024A>G on transcript NM_002303.6 (MANE Select); coding-DNA position 3024, A replaced by G.
Protein change: p.Ser1008=; no amino-acid change (serine 1008 retained).
Molecular consequence: synonymous variant.
Genome position (GRCh38, 1-based): chr1:65,636,541, A>G. VCF-style: chr1-65636541-A-G. GRCh37 (hg19) VCF-style: chr1-66102224-A-G.
Identifiers: ClinVar variation 791797 (VCV000791797.16), dbSNP rs6413506, ClinGen allele CA895208.